The following is an entry in ClinVar:

NM_002128.7(HMGB1):c.220_221del (p.Glu74fs)

Gene: HMGB1 (high mobility group box 1; minus strand). Cytogenetic location: 13q12.3.
Variant type: Microsatellite.
Coding change: c.220_221del on transcript NM_002128.7 (MANE Select); coding-DNA positions 220 to 221, 2 bases deleted (GA; older notation c.220_221delGA).
Protein change: p.Glu74fs; shifts the reading frame from glutamic acid 74.
Molecular consequence: frameshift variant.
Genome position (GRCh38, 1-based): chr13:30,463,282-30,463,283, TC deleted on the plus strand (GA on the coding strand, the reverse complement: HMGB1 is on the minus strand); deleting any 2 consecutive bases within chr13:30,463,282-30,463,286 gives the same sequence; the c. name uses the placement nearest the transcript's 3' end. VCF-style (leftmost placement, unchanged base first): chr13-30463281-TTC-T. GRCh37 (hg19) VCF-style: chr13-31037418-TTC-T.
Other names: c.220_221del, p.Glu74fs (NM_001313892.2, NM_001313893.1, NM_001363661.2 and 3 more transcripts); short protein forms E74fs.
Identifiers: ClinVar variation 3708238 (VCV003708238.2).
Genomic context (GRCh38, chr13:30,463,281, plus strand): 5'-TGCATTGGGATCCTTGAACTTCTTTTTTGTCTCCCCTTTGGGAGGGATATAGGTTTTCAT[TTC>T]TCTTTCATAACGGGCCTTGTCCGCTTTTGCCATATCTTCAAATTTTCCTTTCTCTTTAGC-3'

ClinVar aggregate classification (germline): Pathogenic (1 of 4 stars; one submission).

Submission:

Labcorp Genetics (formerly Invitae), Labcorp
Classification: Pathogenic. Last evaluated: 2024-06-05. Review status: criteria provided, single submitter. Criteria: Invitae Variant Classification Sherloc (09022015). Collection method: clinical testing. Allele origin: germline.
Comment: This sequence change creates a premature translational stop signal (p.Glu74Asnfs*34) in the HMGB1 gene. It is expected to result in an absent or disrupted protein product. Loss-of-function variants in HMGB1 are known to be pathogenic (PMID: 34164801). This variant is not present in population databases (gnomAD no frequency). This variant has not been reported in the literature in individuals affected with HMGB1-related conditions. For these reasons, this variant has been classified as Pathogenic.

Literature cited by the submitters: PubMed 34164801.